The following is an entry in ClinVar:

ClinVar aggregate classification (germline): Pathogenic (1 of 4 stars; one submission).

Conditions:
Primary ciliary dyskinesia 33. Also called: CILIARY DYSKINESIA, PRIMARY, 33, WITHOUT SITUS INVERSUS. Identifiers: Orphanet 244, MedGen C4225230, MONDO:0014750, OMIM 616726.

Submission:

Labcorp Genetics (formerly Invitae), Labcorp
Classification: Pathogenic for Primary ciliary dyskinesia 33. Last evaluated: 2024-07-19. Review status: criteria provided, single submitter. Criteria: Invitae Variant Classification Sherloc (09022015). Collection method: clinical testing. Allele origin: germline.
Comment: This sequence change creates a premature translational stop signal (p.Glu94Trpfs*10) in the GAS8 gene. It is expected to result in an absent or disrupted protein product. Loss-of-function variants in GAS8 are known to be pathogenic (PMID: 26387594). This variant is not present in population databases (gnomAD no frequency). This variant has not been reported in the literature in individuals affected with GAS8-related conditions. For these reasons, this variant has been classified as Pathogenic.

Literature cited by the submitters: PubMed 26387594.

NM_001481.3(DRC4):c.278_279dup (p.Glu94fs)

Gene: DRC4 (dynein regulatory complex subunit 4; plus strand). Cytogenetic location: 16q24.3.
Variant type: Duplication.
Coding change: c.278_279dup on transcript NM_001481.3 (MANE Select); coding-DNA positions 278 to 279, 2 bases duplicated (TG; older notation c.278_279dupTG).
Protein change: p.Glu94fs; shifts the reading frame from glutamic acid 94.
Molecular consequence: frameshift variant. On other transcripts: 5 prime UTR variant (1).
Genome position (GRCh38, 1-based): chr16:90,031,486-90,031,487, TG duplicated; duplicating any 2 consecutive bases within chr16:90,031,485-90,031,487 gives the same sequence; the c. name uses the placement nearest the transcript's 3' end. VCF-style (leftmost placement, unchanged base first): chr16-90031484-G-GGT. GRCh37 (hg19) VCF-style: chr16-90097892-G-GGT.
Other names: c.29_30dup, p.Glu11fs (NM_001286205.2); c.-244_-243dup (NM_001286208.2); c.203_204dup, p.Glu69fs (NM_001286209.2); short protein forms E69fs, E11fs, E94fs.
Identifiers: ClinVar variation 3679698 (VCV003679698.2).